The following is an entry in ClinVar:

ClinVar aggregate classification (germline): Uncertain significance (1 of 4 stars; one submission).

Conditions:
Familial hypobetalipoproteinemia 1. Also called: APOB-Related Familial Hypobetalipoproteinemia; Hypobetalipoproteinemia, normotriglyceridemic; Acanthocytosis with hypobetalipoproteinemia. Identifiers: MedGen C4551990, MONDO:0014252, OMIM 615558.
Hypercholesterolemia, autosomal dominant, type B (FHCL2). Also called: APOLIPOPROTEIN B-100, FAMILIAL DEFECTIVE; APOLIPOPROTEIN B-100, FAMILIAL LIGAND-DEFECTIVE; HYPERCHOLESTEROLEMIA, FAMILIAL, DUE TO LIGAND-DEFECTIVE APOLIPOPROTEIN B; Hyperlipoproteinemia Type IIb; Familial hypercholesterolemia 2; Familial Hypercholesterolemia Type B. Identifiers: MedGen C1704417, MONDO:0007751, OMIM 144010.

Submission:

Labcorp Genetics (formerly Invitae), Labcorp
Classification: Uncertain significance for Familial hypobetalipoproteinemia 1; Hypercholesterolemia, autosomal dominant, type B. Last evaluated: 2025-11-24. Review status: criteria provided, single submitter. Criteria: Invitae Variant Classification Sherloc (09022015). Collection method: clinical testing. Allele origin: germline.
Comment: This sequence change replaces isoleucine, which is neutral and non-polar, with valine, which is neutral and non-polar, at codon 2354 of the APOB protein (p.Ile2354Val). This variant is not present in population databases (gnomAD no frequency). This missense change has been observed in individual(s) with clinical features of familial hypercholesterolemia (internal data). ClinVar contains an entry for this variant (Variation ID: 1006795). Invitae Evidence Modeling of protein sequence and biophysical properties (such as structural, functional, and spatial information, amino acid conservation, physicochemical variation, residue mobility, and thermodynamic stability) indicates that this missense variant is not expected to disrupt APOB protein function with a negative predictive value of 95%. In summary, the available evidence is currently insufficient to determine the role of this variant in disease. Therefore, it has been classified as a Variant of Uncertain Significance.

NM_000384.3(APOB):c.7060A>G (p.Ile2354Val)

Gene: APOB (apolipoprotein B; minus strand). Cytogenetic location: 2p24.1.
Variant type: single nucleotide variant.
Coding change: c.7060A>G on transcript NM_000384.3 (MANE Select); coding-DNA position 7060, A replaced by G.
Protein change: p.Ile2354Val; replaces isoleucine 2354 with valine.
Molecular consequence: missense variant.
Genome position (GRCh38, 1-based): chr2:21,009,808, T>C on the plus strand (A>G on the coding strand, the complement: APOB is on the minus strand). VCF-style: chr2-21009808-T-C. GRCh37 (hg19) VCF-style: chr2-21232680-T-C.
Other names: short protein forms I2354V.
Identifiers: ClinVar variation 1006795 (VCV001006795.11), dbSNP rs1663255046, ClinGen allele CA345999664.